The following is an entry in ClinVar:

NM_173630.4(RTTN):c.2309+16T>G

Gene: RTTN (rotatin; minus strand). Cytogenetic location: 18q22.2.
Variant type: single nucleotide variant.
Coding change: c.2309+16T>G on transcript NM_173630.4 (MANE Select); 16 bases into the intron after coding-DNA position 2309, T replaced by G.
Molecular consequence: intron variant.
Genome position (GRCh38, 1-based): chr18:70,148,885, A>C on the plus strand (T>G on the coding strand, the complement: RTTN is on the minus strand). VCF-style: chr18-70148885-A-C. GRCh37 (hg19) VCF-style: chr18-67816121-A-C.
Other names: c.-339+16T>G (NM_001318520.2).
Identifiers: ClinVar variation 1910583 (VCV001910583.5), dbSNP rs752657118, ClinGen allele CA8995928.

ClinVar aggregate classification (germline): Uncertain significance (1 of 4 stars; one submission).

Allele frequency attached by ClinVar (database versions not stated): ExAC 0.00001; gnomAD exomes 0.00001.
gnomAD v4.1: 13 of 1,612,814 alleles (0.00081%); highest among the groups gnomAD compares: Non-Finnish European, 0.001%; no homozygotes.

Submission:

Labcorp Genetics (formerly Invitae), Labcorp
Classification: Uncertain significance. Last evaluated: 2024-08-12. Review status: criteria provided, single submitter. Criteria: Invitae Variant Classification Sherloc (09022015). Collection method: clinical testing. Allele origin: germline.
Comment: This sequence change falls in intron 17 of the RTTN gene. It does not directly change the encoded amino acid sequence of the RTTN protein. This variant is present in population databases (rs752657118, gnomAD 0.002%). This variant has not been reported in the literature in individuals affected with RTTN-related conditions. ClinVar contains an entry for this variant (Variation ID: 1910583). Algorithms developed to predict the effect of sequence changes on RNA splicing suggest that this variant may create or strengthen a splice site. In summary, the available evidence is currently insufficient to determine the role of this variant in disease. Therefore, it has been classified as a Variant of Uncertain Significance.